The following is an entry in ClinVar:

NM_058216.3(RAD51C):c.934C>T (p.Arg312Trp)

Gene: RAD51C (RAD51 paralog C; plus strand). Cytogenetic location: 17q22.
Variant type: single nucleotide variant.
Coding change: c.934C>T on transcript NM_058216.3 (MANE Select); coding-DNA position 934, C replaced by T.
Protein change: p.Arg312Trp; replaces arginine 312 with tryptophan.
Molecular consequence: missense variant. On other transcripts: non-coding transcript variant (1).
Genome position (GRCh38, 1-based): chr17:58,724,069, C>T. VCF-style: chr17-58724069-C-T. GRCh37 (hg19) VCF-style: chr17-56801430-C-T.
Other names: p.R312W:CGG>TGG; short protein forms R312W.
Identifiers: ClinVar variation 182836 (VCV000182836.46), dbSNP rs730881932, ClinGen allele CA299887.

ClinVar aggregate classification (germline): Conflicting classifications of pathogenicity. Review status: criteria provided, conflicting classifications (1 of 4 stars). 12 submissions from 12 submitters: Pathogenic (1); Likely pathogenic (9); Uncertain significance (2). Last evaluated 2026-09-08.

Conditions:
Fanconi anemia complementation group O. Also called: RAD51C-Related Fanconi Anemia. Identifiers: Orphanet 84, MedGen C3150653, MONDO:0013248, OMIM 613390.
Breast-ovarian cancer, familial, susceptibility to, 3. Also called: RAD51C-Related Breast/Ovarian Cancer. Identifiers: Orphanet 145, MedGen C3150659, MONDO:0013253, OMIM 613399.
Hereditary cancer-predisposing syndrome. Also called: Tumor predisposition; Neoplastic Syndromes, Hereditary; Hereditary Cancer Syndrome; Hereditary neoplastic syndrome. Identifiers: Orphanet 140162, MedGen C0027672, MeSH D009386, MONDO:0015356.
Hereditary breast ovarian cancer syndrome. Also called: Hereditary breast and ovarian cancer; Hereditary breast and ovarian cancer syndrome (HBOC); Breast and ovarian cancer; Hereditary breast and/or ovarian cancer syndrome; BRCA1- and BRCA2-Associated Hereditary Breast and Ovarian Cancer; Hereditary breast and ovarian cancer syndrome. Identifiers: Orphanet 145, MedGen C0677776, MeSH D061325, MONDO:0003582. Disease mechanism: loss of function.

Allele frequency attached by ClinVar (database versions not stated): gnomAD exomes 0.00001.

Submissions (12):

German Consortium for Hereditary Breast and Ovarian Cancer, University Hospital Cologne
Classification: Likely pathogenic for Hereditary breast ovarian cancer syndrome. Last evaluated: 2026-09-08. Review status: criteria provided, single submitter. Criteria: ACMG SVI. Collection method: curation. Allele origin: germline.
Comment: No reclassification from class 4 since no new data; This classification follows the ACMG SVI adaptation classification scheme; We chose these criteria: PS3 (strong pathogenic): Hu (2023, PMID: 37253112) & Rawal (2023, PMID: 37344589): Deleterious Gayarre (2017, PMID: 28829762): failed to correct mitomycin and olaparib hypersensitivity and to complement abnormal RAD51C foci formation , PP3 (supporting pathogenic): REVEL 0,7

GeneDx
Classification: Likely pathogenic. Last evaluated: 2026-08-23. Review status: criteria provided, single submitter. Criteria: GeneDx Variant Classification Process June 2021. Collection method: clinical testing. Allele origin: germline.
Comment: Observed in individuals with a personal and/or family history of breast and/or ovarian cancer (PMID: 28829762, 32957588, 34606182, 33471991, 35534704, 36099300, 38219492, 40282418); In silico analysis supports that this missense variant has a deleterious effect on protein structure/function; Not observed at significant frequency in large population cohorts (gnomAD); This variant is associated with the following publications: (PMID: 28829762, 32957588, 33471991, 37344589, 37253112, 34606182, 36099300, 35534704, 36243179, 38219492, 39299233, 40118241, 40282418, 14704354)

Labcorp Genetics (formerly Invitae), Labcorp
Classification: Likely pathogenic for Fanconi anemia complementation group O. Last evaluated: 2025-10-13. Review status: criteria provided, single submitter. Criteria: Invitae Variant Classification Sherloc (09022015). Collection method: clinical testing. Allele origin: germline.
Comment: This sequence change replaces arginine, which is basic and polar, with tryptophan, which is neutral and slightly polar, at codon 312 of the RAD51C protein (p.Arg312Trp). This variant is present in population databases (rs730881932, gnomAD 0.006%). This missense change has been observed in individual(s) with ovarian and breast cancer (PMID: 28829762, 32957588, 35534704, 36243179). It has also been observed to segregate with disease in related individuals. ClinVar contains an entry for this variant (Variation ID: 182836). Invitae Evidence Modeling of protein sequence and biophysical properties (such as structural, functional, and spatial information, amino acid conservation, physicochemical variation, residue mobility, and thermodynamic stability) indicates that this missense variant is expected to disrupt RAD51C protein function with a positive predictive value of 80%. Experimental studies have shown that this missense change affects RAD51C function (PMID: 28829762, 36099300, 37253112). In summary, the currently available evidence indicates that the variant is pathogenic, but additional data are needed to prove that conclusively. Therefore, this variant has been classified as Likely Pathogenic.

Institute for Biomarker Research, Medical Diagnostic Laboratories, L.L.C.
Classification: Likely pathogenic for Hereditary breast ovarian cancer syndrome. Last evaluated: 2025-04-18. Review status: criteria provided, single submitter. Criteria: ACMG Guidelines, 2015. Collection method: clinical testing. Allele origin: germline.
Comment: The missense variant NM_058216.3(RAD51C):c.934C>T (p.Arg312Trp) causes the same amino acid change as a previously established pathogenic variant. There is a moderate physicochemical difference between arginine and tryptophan. 3 variants within 6 amino acid positions of the variant p.Arg312Trp have been shown to be pathogenic, while none have been shown to be benign. For these reasons, this variant has been classified as Likely Pathogenic.

Ambry Genetics
Classification: Uncertain significance for Hereditary cancer-predisposing syndrome. Last evaluated: 2025-03-17. Review status: criteria provided, single submitter. Criteria: Ambry Variant Classification Scheme 2023. Collection method: clinical testing. Allele origin: germline.
Comment: The p.R312W variant (also known as c.934C>T), located in coding exon 7 of the RAD51C gene, results from a C to T substitution at nucleotide position 934. The arginine at codon 312 is replaced by tryptophan, an amino acid with dissimilar properties. In multiple assays testing RAD51C function, this variant showed functionally abnormal results (Gayarre J et al. Br J Cancer, 2017 Sep;117:1048-1062; Prakash R et al. Proc Natl Acad Sci U S A, 2022 Sep;119:e2202727119; Rawal Y et al. Nature, 2023 Jul;619:640-649; Hu C et al. Cancer Res, 2023 Aug;83:2557-2571). This amino acid position is highly conserved in available vertebrate species. In addition, this alteration is predicted to be deleterious by in silico analysis. Since supporting evidence is limited at this time, the clinical significance of this alteration remains unclear.

CeGaT Center for Human Genetics Tuebingen
Classification: Likely pathogenic. Last evaluated: 2025-01-01. Review status: criteria provided, single submitter. Criteria: CeGaT Center For Human Genetics Tuebingen Variant Classification Criteria Version 2. Collection method: clinical testing. Allele origin: germline. Affected: yes. Observed: 1 variant allele.
Comment: RAD51C: PS3:Moderate, PS4:Moderate, PP1, PP3

Women's Health and Genetics/Laboratory Corporation of America, LabCorp
Classification: Pathogenic for Hereditary breast ovarian cancer syndrome. Last evaluated: 2024-07-16. Review status: criteria provided, single submitter. Criteria: LabCorp Variant Classification Summary - May 2015. Collection method: clinical testing. Allele origin: germline.
Comment: Variant summary: RAD51C c.934C>T (p.Arg312Trp) results in a non-conservative amino acid change located in the DNA recombination and repair protein Rad51-like, C-terminal domain of the encoded protein sequence. Five of five in-silico tools predict a damaging effect of the variant on protein function. The variant allele was found at a frequency of 7.9e-06 in 252652 control chromosomes. c.934C>T has been reported in the literature in individuals affected with breast cancer, ovarian cancer and colon cancer (Gayarre_2017, Germani_2020, de Oliveira_2022). Specifically, Gayarre_2017 identified the variant in two siblings with personal history of ovarian cancer and determined through segregation analysis that the variant was inherited from their mother (obligate carrier) who also was affected with ovarian cancer. These data indicate that the variant is likely to be associated with disease. Multiple publication report experimental evidence evaluating an impact on protein function. The variant protein was unable to complement RAD51C-deficient cells (Gayarre_2017) and was defective in a homology-directed DNA repair assay (Hu_2023). The following publications have been ascertained in the context of this evaluation (PMID: 28829762, 32957588, 37253112, 35534704). ClinVar contains an entry for this variant (Variation ID: 182836). Based on the evidence outlined above, the variant was classified as pathogenic.

Color Diagnostics, LLC DBA Color Health
Classification: Likely pathogenic for Hereditary cancer-predisposing syndrome. Last evaluated: 2024-06-24. Review status: criteria provided, single submitter. Criteria: ACMG Guidelines, 2015. Collection method: clinical testing. Allele origin: germline.
Comment: This missense variant replaces arginine with tryptophan at codon 312 of the RAD51C protein. Computational prediction is inconclusive regarding the impact of this variant on protein structure and function. Functional studies have shown that the mutant protein is defective in a homology-directed DNA repair assay (PMID: 37253112), in complementation of RAD51C-deficient cells and in interactions with RAD51D (PMID: 28829762, 36099300). This variant has been identified in individuals affected with ovarian cancer (PMID: 28829762, 36099300; DOI: 10.21203/rs.3.rs-1241858/v1) and in four individuals affected with breast cancer (PMID: 33471991, 34606182). This variant has been identified in 2/251360 chromosomes in the general population by the Genome Aggregation Database (gnomAD). Based on the available evidence, this variant is classified as Likely Pathogenic.

Fulgent Genetics
Classification: Uncertain significance for Fanconi anemia complementation group O; Breast-ovarian cancer, familial, susceptibility to, 3. Last evaluated: 2024-06-16. Review status: criteria provided, single submitter. Criteria: ACMG Guidelines, 2015. Collection method: clinical testing. Allele origin: germline.

Myriad Genetics, Inc.
Classification: Likely pathogenic for Breast-ovarian cancer, familial, susceptibility to, 3. Last evaluated: 2024-01-03. Review status: criteria provided, single submitter. Criteria: Myriad Autosomal Dominant, Autosomal Recessive and X-Linked Classification Criteria (2023). Collection method: clinical testing. Allele origin: unknown.
Comment: This variant is considered likely pathogenic. Functional studies indicate this variant impacts protein function [PMID: 28829762].

Baylor Genetics
Classification: Likely pathogenic for Breast-ovarian cancer, familial, susceptibility to, 3. Last evaluated: 2023-02-10. Review status: criteria provided, single submitter. Criteria: ACMG Guidelines, 2015. Collection method: clinical testing. Allele origin: unknown.

Department of Molecular Diagnostics, Institute of Oncology Ljubljana
Classification: Likely pathogenic for Breast-ovarian cancer, familial, susceptibility to, 3. Last evaluated: 2020-04-02. Review status: criteria provided, single submitter. Criteria: ACMG Guidelines, 2015. Collection method: clinical testing. Allele origin: germline. Affected: yes.

Literature cited by the submitters: PubMed 28829762 (cited by 5 submitters); PubMed 32957588 (cited by Labcorp Genetics (formerly Invitae), Labcorp and Women's Health and Genetics/Laboratory Corporation of America, LabCorp); PubMed 35534704 (cited by Labcorp Genetics (formerly Invitae), Labcorp and Women's Health and Genetics/Laboratory Corporation of America, LabCorp); PubMed 36243179 (cited by Labcorp Genetics (formerly Invitae), Labcorp); PubMed 36099300 (cited by 3 submitters); PubMed 37253112 (cited by 4 submitters); PubMed 37344589 (cited by Ambry Genetics); PubMed 38134886 (cited by Ambry Genetics); PubMed 39299233 (cited by Ambry Genetics); PubMed 33471991 (cited by Color Diagnostics, LLC DBA Color Health); PubMed 34606182 (cited by Color Diagnostics, LLC DBA Color Health).